The following is an entry in ClinVar:

NM_001111.5(ADAR):c.434A>G (p.Lys145Arg)

Gene: ADAR (adenosine deaminase RNA specific; minus strand). Cytogenetic location: 1q21.3.
Variant type: single nucleotide variant.
Coding change: c.434A>G on transcript NM_001111.5 (MANE Select); coding-DNA position 434, A replaced by G.
Protein change: p.Lys145Arg; replaces lysine 145 with arginine.
Molecular consequence: missense variant. On other transcripts: 5 prime UTR variant (6).
Genome position (GRCh38, 1-based): chr1:154,602,208, T>C on the plus strand (A>G on the coding strand, the complement: ADAR is on the minus strand). VCF-style: chr1-154602208-T-C. GRCh37 (hg19) VCF-style: chr1-154574684-T-C.
Other names: c.434A>G (NM_001111.4); c.-452A>G (NM_001025107.3, NM_001193495.2, NM_001365046.1 and 3 more transcripts); c.461A>G, p.Lys154Arg (NM_001365045.1); c.434A>G, p.Lys145Arg (NM_015840.4, NM_015841.4); short protein forms K154R, K145R.
Identifiers: ClinVar variation 1433426 (VCV001433426.9), dbSNP rs763767761, ClinGen allele CA1131702.

ClinVar aggregate classification (germline): Uncertain significance. Review status: criteria provided, multiple submitters, no conflicts (2 of 4 stars). 3 submissions from 3 submitters: Uncertain significance (3). Last evaluated 2025-04-20.

Conditions:
Symmetrical dyschromatosis of extremities (DSH). Also called: RETICULATE ACROPIGMENTATION OF DOHI; SYMMETRIC DYSCHROMATOSIS OF THE EXTREMITIES; Dyschromatosis symmetrica hereditaria; DYSCHROMATOSIS SYMMETRICA HEREDITARIA 1. Identifiers: Orphanet 41, MedGen C0406775, MONDO:0007483, OMIM 127400.
Aicardi-Goutieres syndrome 6 (AGS6). Identifiers: Orphanet 51, MedGen C3539013, MONDO:0014007, OMIM 615010.

Allele frequency attached by ClinVar (database versions not stated): gnomAD 0.00001; TOPMed below 0.00001; gnomAD exomes 0.00002 and 0.00004; ExAC 0.00002.
gnomAD v4.1: 12 of 1,614,118 alleles (0.00074%); highest among the groups gnomAD compares: Admixed American, 0.012%; no homozygotes.

Submissions (3):

Labcorp Genetics (formerly Invitae), Labcorp
Classification: Uncertain significance for Aicardi-Goutieres syndrome 6; Symmetrical dyschromatosis of extremities. Last evaluated: 2025-04-20. Review status: criteria provided, single submitter. Criteria: Invitae Variant Classification Sherloc (09022015). Collection method: clinical testing. Allele origin: germline.
Comment: This sequence change replaces lysine, which is basic and polar, with arginine, which is basic and polar, at codon 145 of the ADAR protein (p.Lys145Arg). This variant is present in population databases (rs763767761, gnomAD 0.01%). This variant has not been reported in the literature in individuals affected with ADAR-related conditions. ClinVar contains an entry for this variant (Variation ID: 1433426). An algorithm developed to predict the effect of missense changes on protein structure and function (PolyPhen-2) suggests that this variant is likely to be tolerated. In summary, the available evidence is currently insufficient to determine the role of this variant in disease. Therefore, it has been classified as a Variant of Uncertain Significance.

Genome-Nilou Lab
Classification: Uncertain significance for Aicardi-Goutieres syndrome 6. Last evaluated: 2023-04-11. Review status: criteria provided, single submitter. Criteria: ACMG Guidelines, 2015. Collection method: clinical testing. Allele origin: germline. Affected: no.

GeneDx
Classification: Uncertain significance. Last evaluated: 2022-12-16. Review status: criteria provided, single submitter. Criteria: GeneDx Variant Classification Process June 2021. Collection method: clinical testing. Allele origin: germline. Affected: yes.
Comment: In silico analysis supports that this missense variant does not alter protein structure/function; Has not been previously published as pathogenic or benign to our knowledge